The following is an entry in ClinVar:

NM_001613.4(ACTA2):c.816G>C (p.Glu272Asp)

Genes: ACTA2 (actin alpha 2, smooth muscle; minus strand), ACTA2-AS1 (ACTA2 antisense RNA 1; plus strand). Cytogenetic location: 10q23.31.
Variant type: single nucleotide variant.
Coding change: c.816G>C on transcript NM_001613.4 (MANE Select); coding-DNA position 816, G replaced by C.
Protein change: p.Glu272Asp; replaces glutamic acid 272 with aspartic acid.
Molecular consequence: missense variant. On other transcripts: non-coding transcript variant (1).
Genome position (GRCh38, 1-based): chr10:88,938,235, C>G on the plus strand (G>C on the coding strand, the complement: ACTA2 is on the minus strand). VCF-style: chr10-88938235-C-G. GRCh37 (hg19) VCF-style: chr10-90697992-C-G.
Other names: c.816G>C, p.Glu272Asp (NM_001141945.3, NM_001320855.2, NM_001406462.1 and 2 more transcripts); c.705G>C, p.Glu235Asp (NM_001406466.1); c.687G>C, p.Glu229Asp (NM_001406467.1, NM_001406468.1, NM_001406469.1); c.624G>C, p.Glu208Asp (NM_001406471.1); short protein forms E272D, E229D, E235D, E208D.
Identifiers: ClinVar variation 1305287 (VCV001305287.6), dbSNP rs2133246658, ClinGen allele CA377511033.

ClinVar aggregate classification (germline): Uncertain significance. Review status: criteria provided, multiple submitters, no conflicts (2 of 4 stars). 2 submissions from 2 submitters: Uncertain significance (2). Last evaluated 2024-05-08.

Conditions:
Aortic aneurysm, familial thoracic 6 (AAT6). Also called: FAMILIAL THORACIC AORTIC ANEURYSM WITH LIVEDO RETICULARIS AND IRIS FLOCCULI. Identifiers: MedGen C2673186, MONDO:0012730, OMIM 611788.

Submissions (2):

Labcorp Genetics (formerly Invitae), Labcorp
Classification: Uncertain significance for Aortic aneurysm, familial thoracic 6. Last evaluated: 2024-05-08. Review status: criteria provided, single submitter. Criteria: Invitae Variant Classification Sherloc (09022015). Collection method: clinical testing. Allele origin: germline.
Comment: This sequence change replaces glutamic acid, which is acidic and polar, with aspartic acid, which is acidic and polar, at codon 272 of the ACTA2 protein (p.Glu272Asp). This variant is not present in population databases (gnomAD no frequency). This variant has not been reported in the literature in individuals affected with ACTA2-related conditions. ClinVar contains an entry for this variant (Variation ID: 1305287). Advanced modeling of protein sequence and biophysical properties (such as structural, functional, and spatial information, amino acid conservation, physicochemical variation, residue mobility, and thermodynamic stability) performed at Invitae indicates that this missense variant is not expected to disrupt ACTA2 protein function with a negative predictive value of 80%. In summary, the available evidence is currently insufficient to determine the role of this variant in disease. Therefore, it has been classified as a Variant of Uncertain Significance.

GeneDx
Classification: Uncertain significance. Last evaluated: 2019-04-22. Review status: criteria provided, single submitter. Criteria: GeneDx Variant Classification Process June 2021. Collection method: clinical testing. Allele origin: germline. Affected: yes.
Comment: Not observed in large population cohorts (Lek et al., 2016); In silico analysis, which includes protein predictors and evolutionary conservation, supports that this variant does not alter protein structure/function; Has not been previously published as pathogenic or benign to our knowledge